The following is an entry in ClinVar:

NM_001267550.2(TTN):c.26169C>T (p.Ser8723=)

Gene: TTN (titin; minus strand). Cytogenetic location: 2q31.2.
Variant type: single nucleotide variant.
Coding change: c.26169C>T on transcript NM_001267550.2 (MANE Select); coding-DNA position 26169, C replaced by T.
Protein change: p.Ser8723=; no amino-acid change (serine 8723 retained).
Molecular consequence: synonymous variant. On other transcripts: intron variant (3).
Genome position (GRCh38, 1-based): chr2:178,715,017, G>A on the plus strand (C>T on the coding strand, the complement: TTN is on the minus strand). VCF-style: chr2-178715017-G-A. GRCh37 (hg19) VCF-style: chr2-179579744-G-A.
Other names: c.25218C>T, p.Ser8406= (NM_001256850.1); c.22437C>T, p.Ser7479= (NM_133378.4); c.13282+23065C>T (NM_003319.4); c.13858+23065C>T (NM_133437.4); c.13657+23065C>T (NM_133432.3).
Identifiers: ClinVar variation 512763 (VCV000512763.10), dbSNP rs1304915212, ClinGen allele CA430285055.

ClinVar aggregate classification (germline): Likely benign. Review status: criteria provided, multiple submitters, no conflicts (2 of 4 stars). 3 submissions from 3 submitters: Likely benign (3). Last evaluated 2025-06-26.

Conditions:
Autosomal recessive limb-girdle muscular dystrophy type 2J (LGMDR10). Also called: MUSCULAR DYSTROPHY, LIMB-GIRDLE, AUTOSOMAL RECESSIVE 10; Limb-girdle muscular dystrophy, type 2J. Identifiers: Orphanet 140922, MedGen C1837342, MONDO:0012127, OMIM 608807.
Dilated cardiomyopathy 1G (CMD1G). Identifiers: Orphanet 154, MedGen C1858763, MONDO:0011400, OMIM 604145.

Allele frequency attached by ClinVar (database versions not stated): TOPMed 0.00002; gnomAD exomes 0.00002.
gnomAD v4.1: 38 of 1,612,270 alleles (0.0024%); highest among the groups gnomAD compares: Middle Eastern, 0.033%; no homozygotes.

Submissions (3):

Women's Health and Genetics/Laboratory Corporation of America, LabCorp
Classification: Likely benign. Last evaluated: 2025-06-26. Review status: criteria provided, single submitter. Criteria: LabCorp Variant Classification Summary - May 2015. Collection method: clinical testing. Allele origin: germline.

Labcorp Genetics (formerly Invitae), Labcorp
Classification: Likely benign for Dilated cardiomyopathy 1G; Autosomal recessive limb-girdle muscular dystrophy type 2J. Last evaluated: 2024-04-25. Review status: criteria provided, single submitter. Criteria: Invitae Variant Classification Sherloc (09022015). Collection method: clinical testing. Allele origin: germline.

GeneDx
Classification: Likely benign. Last evaluated: 2017-10-12. Review status: criteria provided, single submitter. Criteria: GeneDx Variant Classification (06012015). Collection method: clinical testing. Allele origin: germline. Affected: yes.
Comment: This variant is considered likely benign or benign based on one or more of the following criteria: it is a conservative change, it occurs at a poorly conserved position in the protein, it is predicted to be benign by multiple in silico algorithms, and/or has population frequency not consistent with disease.